The following is an entry in ClinVar:

NM_053025.4(MYLK):c.3995A>T (p.Asp1332Val)

Gene: MYLK (myosin light chain kinase; minus strand). Cytogenetic location: 3q21.1.
Variant type: single nucleotide variant.
Coding change: c.3995A>T on transcript NM_053025.4 (MANE Select); coding-DNA position 3995, A replaced by T.
Protein change: p.Asp1332Val; replaces aspartic acid 1332 with valine.
Molecular consequence: missense variant.
Genome position (GRCh38, 1-based): chr3:123,657,419, T>A on the plus strand (A>T on the coding strand, the complement: MYLK is on the minus strand). VCF-style: chr3-123657419-T-A. GRCh37 (hg19) VCF-style: chr3-123376266-T-A.
Other names: p.Asp1332Val; c.3467A>T, p.Asp1156Val (NM_001321309.2); c.3788A>T, p.Asp1263Val (NM_053026.4, NM_053028.4); c.3995A>T, p.Asp1332Val (NM_053027.4); short protein forms D1263V, D1156V, D1332V.
Identifiers: ClinVar variation 1736790 (VCV001736790.4), dbSNP rs1168067649, ClinGen allele CA354228351.
Genomic context (GRCh38, chr3:123,657,419, plus strand): 5'-CAGGACAGGGTCAGTGAGGAGCTCCGAATGTCAGAGGCACAAGGTGTGCCAGCTGGGGGG[T>A]CTGGCTTATCTGGGGATAAAGAAGCACAACATCACCCACACTTTCCAGAATTGCAGGCAA-3'
Protein context (NP_444253.3, residues 1322-1342): QVNLTVVDKP[Asp1332Val]PPAGTPCASD

ClinVar aggregate classification (germline): Uncertain significance. Review status: criteria provided, multiple submitters, no conflicts (2 of 4 stars). 2 submissions from 2 submitters: Uncertain significance (2). Last evaluated 2026-08-04.

Conditions:
Familial thoracic aortic aneurysm and aortic dissection (TAAD). Also called: Thoracic aortic aneurysms and dissections. Identifiers: Orphanet 91387, MedGen C4707243, MONDO:0019625.

Allele frequency attached by ClinVar (database versions not stated): gnomAD exomes below 0.00001; TOPMed below 0.00001.
gnomAD v4.1: 2 of 1,613,060 alleles (0.00012%); highest among the groups gnomAD compares: Non-Finnish European, 0.00017%; no homozygotes.

Submissions (2):

Ambry Genetics
Classification: Uncertain significance for Familial thoracic aortic aneurysm and aortic dissection. Last evaluated: 2026-08-04. Review status: criteria provided, single submitter. Criteria: Ambry Variant Classification Scheme 2023. Collection method: clinical testing. Allele origin: germline.

Mayo Clinic Laboratories, Mayo Clinic
Classification: Uncertain significance. Last evaluated: 2025-06-11. Review status: criteria provided, single submitter. Criteria: ACMG Guidelines, 2015. Collection method: clinical testing. Allele origin: germline. Observed: 1 variant allele.
Comment: PM2_supporting